The following is an entry in ClinVar:

NM_001291415.2(KDM6A):c.1907C>T (p.Thr636Met)

Gene: KDM6A (lysine demethylase 6A; plus strand). Cytogenetic location: Xp11.3.
Variant type: single nucleotide variant.
Coding change: c.1907C>T on transcript NM_001291415.2 (MANE Select); coding-DNA position 1907, C replaced by T.
Protein change: p.Thr636Met; replaces threonine 636 with methionine.
Molecular consequence: missense variant. On other transcripts: non-coding transcript variant (1).
Genome position (GRCh38, 1-based): chrX:45,063,645, C>T. VCF-style: chrX-45063645-C-T. GRCh37 (hg19) VCF-style: chrX-44922890-C-T.
Other names: c.1772C>T, p.Thr591Met (NM_001291416.2); c.1616C>T, p.Thr539Met (NM_001291417.2); c.1514C>T, p.Thr505Met (NM_001291418.2); c.863C>T, p.Thr288Met (NM_001291421.2); c.1751C>T, p.Thr584Met (NM_021140.4); c.1751C>T (NM_021140.2); short protein forms T636M, T584M, T288M, T539M, T591M, T505M.
Identifiers: ClinVar variation 284402 (VCV000284402.26), dbSNP rs141353229, ClinGen allele CA10392434.

ClinVar aggregate classification (germline): Benign/Likely benign. Review status: criteria provided, multiple submitters, no conflicts (2 of 4 stars). 13 submissions from 13 submitters: Benign (3); Likely benign (5). 5 of the submissions do not count toward it. Last evaluated 2026-02-01.

Conditions:
KDM6A-related disorder. Also called: KDM6A-related condition.
Inborn genetic diseases. Identifiers: MedGen C0950123, MeSH D030342.
Kabuki syndrome 2 (KABUK2). Also called: KDM6A-Related Kabuki Syndrome. Identifiers: Orphanet 2322, MedGen C3275495, MONDO:0010465, OMIM 300867.

Allele frequency attached by ClinVar (database versions not stated): 1000 Genomes Project 0.00026; 1000 Genomes Project 30x 0.00042; TOPMed 0.00066; gnomAD 0.00078 and 0.00079; gnomAD exomes 0.00079 and 0.00113; ExAC 0.00107; ESP Exome Variant Server 0.00123.
gnomAD v4.1: 1,318 of 1,208,526 alleles (0.11%); highest among the groups gnomAD compares: Non-Finnish European, 0.13%; 1 homozygote.

Submissions (13):

Labcorp Genetics (formerly Invitae), Labcorp
Classification: Benign for Kabuki syndrome 2. Last evaluated: 2026-02-01. Review status: criteria provided, single submitter. Criteria: Invitae Variant Classification Sherloc (09022015). Collection method: clinical testing. Allele origin: germline.

Blueprint Genetics
Classification: Likely benign. Last evaluated: 2024-10-23. Review status: criteria provided, single submitter. Criteria: ACMG Guidelines, 2015. Collection method: clinical testing. Allele origin: germline.

ARUP Laboratories, Molecular Genetics and Genomics, ARUP Laboratories
Classification: Likely benign for Kabuki syndrome 2. Last evaluated: 2024-05-03. Review status: criteria provided, single submitter. Criteria: ARUP Molecular Germline Variant Investigation Process 2024. Collection method: clinical testing. Allele origin: germline.

Ambry Genetics
Classification: Benign for Inborn genetic diseases. Last evaluated: 2022-02-22. Review status: criteria provided, single submitter. Criteria: Ambry Variant Classification Scheme 2023. Collection method: clinical testing. Allele origin: germline.

GeneDx
Classification: Benign. Last evaluated: 2019-04-09. Review status: criteria provided, single submitter. Criteria: GeneDx Variant Classification Process June 2021. Collection method: clinical testing. Allele origin: germline. Affected: yes.
Comment: This variant is associated with the following publications: (PMID: 29084058, 32185379)

Center for Pediatric Genomic Medicine, Children's Mercy Hospital and Clinics
Classification: Likely benign. Last evaluated: 2017-05-01. Review status: criteria provided, single submitter. Criteria: ACMG Guidelines, 2015. Collection method: clinical testing. Allele origin: germline.

Eurofins Ntd Llc (ga)
Classification: Likely benign. Last evaluated: 2015-11-17. Review status: criteria provided, single submitter. Criteria: EGL Classification Definitions 2015. Collection method: clinical testing. Allele origin: germline. Observed: 1 variant allele, 1 hemizygote.

Breakthrough Genomics
Classification: Likely benign. Review status: criteria provided, single submitter. Criteria: ACMG Guidelines, 2015. Collection method: not provided. Allele origin: germline. Inheritance: X-linked inheritance. Affected: yes.

PreventionGenetics, part of Exact Sciences
Classification: Likely benign for KDM6A-related condition. Last evaluated: 2020-08-10. Review status: no assertion criteria provided. Collection method: clinical testing. Allele origin: germline. Not counted in ClinVar's aggregate classification.
Comment: This variant is classified as likely benign based on ACMG/AMP sequence variant interpretation guidelines (Richards et al. 2015 PMID: 25741868, with internal and published modifications).

Clinical Genetics DNA and cytogenetics Diagnostics Lab, Erasmus MC, Erasmus Medical Center
Classification: Likely benign. Review status: no assertion criteria provided. Collection method: clinical testing. Allele origin: germline. Affected: yes. Study: VKGL Data-share Consensus. Not counted in ClinVar's aggregate classification.

Diagnostic Laboratory, Department of Genetics, University Medical Center Groningen
Classification: Likely benign for Kabuki syndrome 2. Review status: no assertion criteria provided. Collection method: clinical testing. Allele origin: germline. Affected: yes. Study: VKGL Data-share Consensus. Not counted in ClinVar's aggregate classification.

Genome Diagnostics Laboratory, University Medical Center Utrecht
Classification: Benign. Review status: no assertion criteria provided. Collection method: clinical testing. Allele origin: germline. Affected: yes. Study: VKGL Data-share Consensus. Not counted in ClinVar's aggregate classification.

Laboratory of Diagnostic Genome Analysis, Leiden University Medical Center (LUMC)
Classification: Likely benign. Review status: no assertion criteria provided. Collection method: clinical testing. Allele origin: germline. Affected: yes. Study: VKGL Data-share Consensus. Not counted in ClinVar's aggregate classification.